The following is an entry in ClinVar:

NM_002693.3(POLG):c.1615_1623del (p.Phe539_Gln541del)

Gene: POLG (DNA polymerase gamma, catalytic subunit; minus strand). Cytogenetic location: 15q26.1.
Variant type: Deletion.
Coding change: c.1615_1623del on transcript NM_002693.3 (MANE Select); coding-DNA positions 1615 to 1623, 9 bases deleted (TTTCAACAA; older notation c.1615_1623delTTTCAACAA).
Protein change: p.Phe539_Gln541del.
Molecular consequence: inframe deletion.
Genome position (GRCh38, 1-based): chr15:89,326,701-89,326,709, TTGTTGAAA deleted on the plus strand (TTTCAACAA on the coding strand, the reverse complement: POLG is on the minus strand). VCF-style (leftmost placement, unchanged base first): chr15-89326700-CTTGTTGAAA-C. GRCh37 (hg19) VCF-style: chr15-89869931-CTTGTTGAAA-C.
Other names: c.1615_1623delTTTCAACAA (NM_002693.2); c.1615_1623del, p.Phe539_Gln541del (NM_001126131.2).
Identifiers: ClinVar variation 548594 (VCV000548594.15), dbSNP rs754586219, ClinGen allele CA7724745.
Genomic context (GRCh38, chr15:89,326,700, plus strand): 5'-GCTTGGGCAGGAGCTCTGTGGTCCCCTTCAGCTTCTGCAAGCAGGCGCGGGCCATGACAT[CTTGTTGAAA>C]CTCCTCCTCCTCACTGCAGGGGCCGAGGTCTGTGAGGGTGGGGGAAGACAATCAGGAGCA-3'

ClinVar aggregate classification (germline): Conflicting classifications of pathogenicity. Review status: criteria provided, conflicting classifications (1 of 4 stars). 6 submissions from 4 submitters: Pathogenic (1); Likely pathogenic (1); Uncertain significance (4). Last evaluated 2024-01-25.

Conditions:
Progressive external ophthalmoplegia with mitochondrial DNA deletions, autosomal dominant 1 (PEOA1). Also called: PROGRESSIVE EXTERNAL OPHTHALMOPLEGIA, AUTOSOMAL DOMINANT 1; Autosomal Dominant Progressive External Ophthalmoplegia (adPEO). Identifiers: MedGen C1834846, MONDO:0024528, OMIM 157640.
Progressive sclerosing poliodystrophy (MTDPS4A). Also called: Mitochondrial DNA depletion syndrome 4A (Alpers type); Alpers Syndrome; Mitochondrial DNA Depletion Syndrome 4A; Alpers-Huttenlocher Syndrome (AHS); ALPERS DIFFUSE DEGENERATION OF CEREBRAL GRAY MATTER WITH HEPATIC CIRRHOSIS; Alpers-Huttenlocher Syndrome. Identifiers: Orphanet 726, MedGen C0205710, MONDO:0008758, OMIM 203700.
Mitochondrial DNA depletion syndrome 4b. Also called: Mitochondrial Neurogastrointestinal Encephalopathy Disease, POLG-Related; MNGIE, POLG-RELATED. Identifiers: Orphanet 298, MedGen C3150914, MONDO:0013350, OMIM 613662.

Allele frequency attached by ClinVar (database versions not stated): gnomAD exomes below 0.00001; ExAC 0.00002; gnomAD 0.00002; TOPMed 0.00002.

Submissions (6):

Labcorp Genetics (formerly Invitae), Labcorp
Classification: Uncertain significance for Progressive sclerosing poliodystrophy. Last evaluated: 2024-01-25. Review status: criteria provided, single submitter. Criteria: Invitae Variant Classification Sherloc (09022015). Collection method: clinical testing. Allele origin: germline.
Comment: This variant, c.1615_1623del, results in the deletion of 3 amino acid(s) of the POLG protein (p.Phe539_Gln541del), but otherwise preserves the integrity of the reading frame. This variant is present in population databases (rs754586219, gnomAD 0.002%). This variant has not been reported in the literature in individuals affected with POLG-related conditions. ClinVar contains an entry for this variant (Variation ID: 548594). Experimental studies and prediction algorithms are not available or were not evaluated, and the functional significance of this variant is currently unknown. In summary, the available evidence is currently insufficient to determine the role of this variant in disease. Therefore, it has been classified as a Variant of Uncertain Significance.

Institute for Clinical Genetics, University Hospital TU Dresden, University Hospital TU Dresden
Classification: Pathogenic. Last evaluated: 2021-11-03. Review status: criteria provided, single submitter. Criteria: ACMG Guidelines, 2015. Collection method: clinical testing. Allele origin: germline.

Genomic Research Center, Shahid Beheshti University of Medical Sciences
Classification: Uncertain significance for Progressive external ophthalmoplegia with mitochondrial DNA deletions, autosomal dominant 1. Last evaluated: 2018-03-05. Review status: criteria provided, single submitter. Criteria: ACMG Guidelines, 2015. Collection method: clinical testing. Allele origin: inherited. Affected: yes. Observed: 1 variant allele.

Genomic Research Center, Shahid Beheshti University of Medical Sciences
Classification: Uncertain significance for Mitochondrial DNA depletion syndrome 4b. Last evaluated: 2018-03-05. Review status: criteria provided, single submitter. Criteria: ACMG Guidelines, 2015. Collection method: clinical testing. Allele origin: inherited. Affected: yes. Observed: 1 variant allele.

Genomic Research Center, Shahid Beheshti University of Medical Sciences
Classification: Uncertain significance for Progressive sclerosing poliodystrophy. Last evaluated: 2018-03-05. Review status: criteria provided, single submitter. Criteria: ACMG Guidelines, 2015. Collection method: clinical testing. Allele origin: inherited. Affected: yes. Observed: 1 variant allele.

Kariminejad - Najmabadi Pathology & Genetics Center
Classification: Likely pathogenic for Progressive sclerosing poliodystrophy. Review status: criteria provided, single submitter. Criteria: ACMG Guidelines, 2015. Collection method: clinical testing. Allele origin: germline. Affected: no.